The following is an entry in ClinVar:

NM_007317.3(KIF22):c.139G>A (p.Ala47Thr)

Gene: KIF22 (kinesin family member 22; plus strand). Cytogenetic location: 16p11.2.
Variant type: single nucleotide variant.
Coding change: c.139G>A on transcript NM_007317.3 (MANE Select); coding-DNA position 139, G replaced by A.
Protein change: p.Ala47Thr; replaces alanine 47 with threonine.
Molecular consequence: missense variant. On other transcripts: 5 prime UTR variant (2).
Genome position (GRCh38, 1-based): chr16:29,796,961, G>A. VCF-style: chr16-29796961-G-A. GRCh37 (hg19) VCF-style: chr16-29808282-G-A.
Other names: c.-66G>A (NM_001256269.2, NM_001256270.1); short protein forms A47T.
Identifiers: ClinVar variation 4764206 (VCV004764206.1).
Genomic context (GRCh38, chr16:29,796,961, plus strand): 5'-CGCTGTCGGCTAAGCAAGATTGGAGCTACTCGTCGTCCACCTCCAGCTCGCGTAAGGGTG[G>A]CTGTGCGACTGCGGCCATTTGTGGATGGAACAGCGGGAGCAAGTGATCCCCCCTGTGTGC-3'
Protein context (NP_015556.1, residues 37-57): RRPPPARVRV[Ala47Thr]VRLRPFVDGT

ClinVar aggregate classification (germline): Uncertain significance (1 of 4 stars; one submission).

gnomAD v4.1: 7 of 1,614,164 alleles (0.00043%); highest among the groups gnomAD compares: Non-Finnish European, 0.00051%; no homozygotes.

Submission:

Labcorp Genetics (formerly Invitae), Labcorp
Classification: Uncertain significance. Last evaluated: 2025-03-07. Review status: criteria provided, single submitter. Criteria: Invitae Variant Classification Sherloc (09022015). Collection method: clinical testing. Allele origin: germline.
Comment: This sequence change replaces alanine, which is neutral and non-polar, with threonine, which is neutral and polar, at codon 47 of the KIF22 protein (p.Ala47Thr). This variant is not present in population databases (gnomAD no frequency). This variant has not been reported in the literature in individuals affected with KIF22-related conditions. Invitae Evidence Modeling of protein sequence and biophysical properties (such as structural, functional, and spatial information, amino acid conservation, physicochemical variation, residue mobility, and thermodynamic stability) indicates that this missense variant is not expected to disrupt KIF22 protein function with a negative predictive value of 80%. In summary, the available evidence is currently insufficient to determine the role of this variant in disease. Therefore, it has been classified as a Variant of Uncertain Significance.